The following is an entry in ClinVar:

ClinVar aggregate classification (germline): Likely benign (1 of 4 stars; one submission).

Allele frequency attached by ClinVar (database versions not stated): gnomAD exomes 0.00047; ExAC 0.00119; gnomAD 0.00175; 1000 Genomes Project 30x 0.00229.

Submission:

CeGaT Center for Human Genetics Tuebingen
Classification: Likely benign. Last evaluated: 2025-08-01. Review status: criteria provided, single submitter. Criteria: CeGaT Center For Human Genetics Tuebingen Variant Classification Criteria Version 2. Collection method: clinical testing. Allele origin: germline. Affected: yes. Observed: 2 variant alleles.
Comment: MAGEC1: BP4, BS2

NM_005462.5(MAGEC1):c.1105C>G (p.Pro369Ala)

Gene: MAGEC1 (MAGE family member C1; plus strand). Cytogenetic location: Xq27.2.
Variant type: single nucleotide variant.
Coding change: c.1105C>G on transcript NM_005462.5 (MANE Select); coding-DNA position 1105, C replaced by G.
Protein change: p.Pro369Ala; replaces proline 369 with alanine.
Molecular consequence: missense variant.
Genome position (GRCh38, 1-based): chrX:141,906,509, C>G. VCF-style: chrX-141906509-C-G. GRCh37 (hg19) VCF-style: chrX-140994295-C-G.
Other names: short protein forms P369A.
Identifiers: ClinVar variation 2661567 (VCV002661567.24), dbSNP rs148009378, ClinGen allele CA10533543.